The following is an entry in ClinVar:

NM_001943.5(DSG2):c.3013A>C (p.Thr1005Pro)

Genes: DSG2 (desmoglein 2; plus strand), DSG2-AS1 (DSG2 antisense RNA 1; minus strand). Cytogenetic location: 18q12.1.
Variant type: single nucleotide variant.
Coding change: c.3013A>C on transcript NM_001943.5 (MANE Select); coding-DNA position 3013, A replaced by C.
Protein change: p.Thr1005Pro; replaces threonine 1005 with proline.
Molecular consequence: missense variant.
Genome position (GRCh38, 1-based): chr18:31,546,399, A>C. VCF-style: chr18-31546399-A-C. GRCh37 (hg19) VCF-style: chr18-29126362-A-C.
Other names: short protein forms T1005P.
Identifiers: ClinVar variation 2814815 (VCV002814815.3), dbSNP rs1386679487, ClinGen allele CA402147774.

ClinVar aggregate classification (germline): Uncertain significance (1 of 4 stars; one submission).

Conditions:
Arrhythmogenic right ventricular dysplasia 10. Also called: ARRHYTHMOGENIC RIGHT VENTRICULAR DYSPLASIA, FAMILIAL, 10; Arrhythmogenic Right Ventricular Dysplasia/Cardiomyopathy10; Arrhythmogenic right ventricular dysplasia/cardiomyopathy, type 10. Identifiers: MedGen C1857777, MONDO:0012434, OMIM 610193.

Submission:

Labcorp Genetics (formerly Invitae), Labcorp
Classification: Uncertain significance for Arrhythmogenic right ventricular dysplasia 10. Last evaluated: 2023-06-30. Review status: criteria provided, single submitter. Criteria: Invitae Variant Classification Sherloc (09022015). Collection method: clinical testing. Allele origin: germline.
Comment: In summary, the available evidence is currently insufficient to determine the role of this variant in disease. Therefore, it has been classified as a Variant of Uncertain Significance. Advanced modeling of protein sequence and biophysical properties (such as structural, functional, and spatial information, amino acid conservation, physicochemical variation, residue mobility, and thermodynamic stability) performed at Invitae indicates that this missense variant is not expected to disrupt DSG2 protein function. This variant has not been reported in the literature in individuals affected with DSG2-related conditions. This variant is not present in population databases (gnomAD no frequency). This sequence change replaces threonine, which is neutral and polar, with proline, which is neutral and non-polar, at codon 1005 of the DSG2 protein (p.Thr1005Pro).